The following is an entry in ClinVar:

ClinVar aggregate classification (germline): Pathogenic. Review status: criteria provided, single submitter (1 of 4 stars). 2 submissions from 2 submitters: Pathogenic (1). 1 of the submissions does not count toward it. Last evaluated 2021-02-18.

Conditions:
Menkes kinky-hair syndrome (MNK). Also called: Classic Menkes Disease; Copper transport disease; Menkes Disease. Identifiers: Orphanet 565, MedGen C0022716, MONDO:0010651, OMIM 309400.
Cutis laxa, X-linked (OHS). Also called: EDS IX; Occipital horn syndrome. Identifiers: Orphanet 198, MedGen C0268353, MONDO:0010572, OMIM 304150.
X-linked distal spinal muscular atrophy type 3. Also called: ATP7A-Related Distal Motor Neuropathy; SPINAL MUSCULAR ATROPHY, DISTAL, X-LINKED RECESSIVE; NEURONOPATHY, DISTAL HEREDITARY MOTOR, X-LINKED; NEUROPATHY, DISTAL HEREDITARY MOTOR, X-LINKED. Identifiers: Orphanet 139557, MedGen C1845359, MONDO:0010338, OMIM 300489.

Submissions (2):

Labcorp Genetics (formerly Invitae), Labcorp
Classification: Pathogenic for X-linked distal spinal muscular atrophy type 3; Cutis laxa, X-linked; Menkes kinky-hair syndrome. Last evaluated: 2021-02-18. Review status: criteria provided, single submitter. Criteria: Invitae Variant Classification Sherloc (09022015). Collection method: clinical testing. Allele origin: germline.
Comment: This sequence change creates a premature translational stop signal (p.Trp1187*) in the ATP7A gene. It is expected to result in an absent or disrupted protein product. Loss-of-function variants in ATP7A are known to be pathogenic (PMID: 11241493, 20652413). This variant is not present in population databases (ExAC no frequency). This variant has been observed in individual(s) with Menkes disease (PMID: 20652413). For these reasons, this variant has been classified as Pathogenic.

Inherited Neuropathy Consortium Ii, University Of Miami
Classification: Uncertain significance for Menkes kinky-hair syndrome. Last evaluated: 2016-01-06. Review status: no assertion criteria provided. Collection method: literature only. Allele origin: germline. Affected: yes. Not counted in ClinVar's aggregate classification.

Literature cited by the submitters: PubMed 11241493 (cited by Labcorp Genetics (formerly Invitae), Labcorp); PubMed 20652413 (cited by Labcorp Genetics (formerly Invitae), Labcorp); PubMed 21716286 (cited by Inherited Neuropathy Consortium Ii, University Of Miami).

NM_000052.7(ATP7A):c.3560G>A (p.Trp1187Ter)

Gene: ATP7A (ATPase copper transporting alpha; plus strand). Cytogenetic location: Xq21.1.
Variant type: single nucleotide variant.
Coding change: c.3560G>A on transcript NM_000052.7 (MANE Select); coding-DNA position 3560, G replaced by A.
Protein change: p.Trp1187Ter; replaces tryptophan 1187 with a stop codon.
Molecular consequence: nonsense. On other transcripts: non-coding transcript variant (1).
Genome position (GRCh38, 1-based): chrX:78,038,884, G>A. VCF-style: chrX-78038884-G-A. GRCh37 (hg19) VCF-style: chrX-77294382-G-A.
Other names: c.3560G>A (NM_000052.6); c.3326G>A, p.Trp1109Ter (NM_001282224.2); short protein forms W1187*, W1109*.
Identifiers: ClinVar variation 1460210 (VCV001460210.8), dbSNP rs2149109587, ClinGen allele CA413604445.